The following is an entry in ClinVar:

NM_001370259.2(MEN1):c.632T>A (p.Val211Asp)

Gene: MEN1 (menin 1; minus strand). Cytogenetic location: 11q13.1.
Variant type: single nucleotide variant.
Coding change: c.632T>A on transcript NM_001370259.2 (MANE Select); coding-DNA position 632, T replaced by A.
Protein change: p.Val211Asp; replaces valine 211 with aspartic acid.
Molecular consequence: missense variant. On other transcripts: non-coding transcript variant (4), intron variant (5).
Genome position (GRCh38, 1-based): chr11:64,807,913, A>T on the plus strand (T>A on the coding strand, the complement: MEN1 is on the minus strand). VCF-style: chr11-64807913-A-T. GRCh37 (hg19) VCF-style: chr11-64575385-A-T.
Other names: c.647T>A, p.Val216Asp (NM_000244.4, NM_001407145.1, NM_001407150.1 and 5 more transcripts); c.632T>A, p.Val211Asp (NM_001370251.2, NM_001370260.2, NM_001370261.2 and 7 more transcripts); c.549+83T>A (NM_001407148.1, NM_001407149.1, NM_001407151.1 and 2 more transcripts); short protein forms V216D, V211D.
Identifiers: ClinVar variation 3634205 (VCV003634205.2).

ClinVar aggregate classification (germline): Uncertain significance (1 of 4 stars; one submission).

Conditions:
Multiple endocrine neoplasia, type 1 (MEN1). Also called: MEN I; WERMER SYNDROME; Endocrine adenomatosis multiple; MEN 1; MEA I. Identifiers: Orphanet 652, MedGen C0025267, MeSH D018761, MONDO:0007540, OMIM 131100.

Submission:

Labcorp Genetics (formerly Invitae), Labcorp
Classification: Uncertain significance for Multiple endocrine neoplasia, type 1. Last evaluated: 2024-07-21. Review status: criteria provided, single submitter. Criteria: Invitae Variant Classification Sherloc (09022015). Collection method: clinical testing. Allele origin: germline.
Comment: This sequence change replaces valine, which is neutral and non-polar, with aspartic acid, which is acidic and polar, at codon 211 of the MEN1 protein (p.Val211Asp). This variant is not present in population databases (gnomAD no frequency). This variant has not been reported in the literature in individuals affected with MEN1-related conditions. Advanced modeling of protein sequence and biophysical properties (such as structural, functional, and spatial information, amino acid conservation, physicochemical variation, residue mobility, and thermodynamic stability) performed at Invitae indicates that this missense variant is expected to disrupt MEN1 protein function with a positive predictive value of 95%. In summary, the available evidence is currently insufficient to determine the role of this variant in disease. Therefore, it has been classified as a Variant of Uncertain Significance.